The following is an entry in ClinVar:

NM_001384474.1(LOXHD1):c.4957G>C (p.Gly1653Arg)

Gene: LOXHD1 (lipoxygenase homology PLAT domains 1; minus strand). Cytogenetic location: 18q21.1.
Variant type: single nucleotide variant.
Coding change: c.4957G>C on transcript NM_001384474.1 (MANE Select); coding-DNA position 4957, G replaced by C.
Protein change: p.Gly1653Arg; replaces glycine 1653 with arginine.
Molecular consequence: missense variant.
Genome position (GRCh38, 1-based): chr18:46,522,229, C>G on the plus strand (G>C on the coding strand, the complement: LOXHD1 is on the minus strand). VCF-style: chr18-46522229-C-G. GRCh37 (hg19) VCF-style: chr18-44102192-C-G.
Other names: c.1624G>C, p.Gly542Arg (NM_001145472.3); c.1336G>C, p.Gly446Arg (NM_001308013.2); c.4957G>C, p.Gly1653Arg (NM_144612.7); short protein forms G1653R, G542R, G446R.
Identifiers: ClinVar variation 666847 (VCV000666847.13), dbSNP rs374897301, ClinGen allele CA8952276.

ClinVar aggregate classification (germline): Uncertain significance. Review status: criteria provided, multiple submitters, no conflicts (2 of 4 stars). 6 submissions from 6 submitters: Uncertain significance (5). 1 of the submissions does not count toward it. Last evaluated 2026-05-14.

Conditions:
LOXHD1-related disorder. Also called: LOXHD1-related condition.
Autosomal recessive nonsyndromic hearing loss 77. Identifiers: Orphanet 90636, MedGen C2746083, MONDO:0013119, OMIM 613079.

Allele frequency attached by ClinVar (database versions not stated): 1000 Genomes Project 0.00040; ExAC 0.00004; TOPMed 0.00018; ESP Exome Variant Server 0.00022; 1000 Genomes Project 30x 0.00031.
gnomAD v4.1: 436 of 1,551,894 alleles (0.028%); highest among the groups gnomAD compares: Non-Finnish European, 0.037%; no homozygotes.

Submissions (6):

PreventionGenetics, part of Exact Sciences
Classification: Uncertain significance for LOXHD1-related condition. Last evaluated: 2026-05-14. Review status: criteria provided, single submitter. Criteria: ACMG Guidelines, 2015. Collection method: clinical testing. Allele origin: germline.
Comment: The LOXHD1 c.4957G>C variant is predicted to result in the amino acid substitution p.Gly1653Arg. To our knowledge, this variant has not been reported in the literature. This variant is reported in 0.023% of alleles in individuals of European (Non-Finnish) descent in gnomAD. At this time, the clinical significance of this variant is uncertain due to the absence of conclusive functional and genetic evidence.

Daryl Scott Lab, Baylor College of Medicine
Classification: Uncertain significance for Autosomal recessive nonsyndromic hearing loss 77. Last evaluated: 2024-01-01. Review status: criteria provided, single submitter. Criteria: ACMG Guidelines, 2015. Collection method: clinical testing. Allele origin: biparental. Observed: 1 homozygote.
Comment: PP3

Blueprint Genetics
Classification: Uncertain significance. Last evaluated: 2023-09-19. Review status: criteria provided, single submitter. Criteria: ACMG Guidelines, 2015. Collection method: clinical testing. Allele origin: germline.

Laboratory for Molecular Medicine, Mass General Brigham Personalized Medicine
Classification: Uncertain significance. Last evaluated: 2018-06-05. Review status: criteria provided, single submitter. Criteria: LMM Criteria. Collection method: clinical testing. Allele origin: germline. Observed: 1 variant allele.
Comment: The p.Gly1653Arg variant in LOXHD1 has not been previously reported in individua ls with hearing loss but, has been identified in 16/73382 European chromosomes b y the Genome Aggregation Database (gnomAD; dbS NP rs374897301). Although this variant has been seen in the general population, its frequency is not high enough to rule out a pathogenic role. Computational p rediction tools and conservation analysis suggest that the p.Gly1653Arg variant may impact the protein, though this information is not predictive enough to dete rmine pathogenicity. In summary, the clinical significance of the p.Gly1653Arg v ariant is uncertain. ACMG/AMP Criteria applied: PM2_Supporting, PP3.

Illumina Laboratory Services, Illumina
Classification: Uncertain significance for Autosomal recessive nonsyndromic hearing loss 77. Last evaluated: 2018-01-13. Review status: criteria provided, single submitter. Criteria: ICSL Variant Classification Criteria 13 December 2019. Collection method: clinical testing. Allele origin: germline.

Natera, Inc.
Classification: Uncertain significance for Autosomal recessive deafness type 77. Last evaluated: 2020-09-16. Review status: no assertion criteria provided. Collection method: clinical testing. Allele origin: germline. Not counted in ClinVar's aggregate classification.